The following is an entry in ClinVar:

ClinVar aggregate classification (germline): Uncertain significance. Review status: criteria provided, multiple submitters, no conflicts (2 of 4 stars). 3 submissions from 3 submitters: Uncertain significance (3). Last evaluated 2024-02-05.

Conditions:
Inborn genetic diseases. Identifiers: MedGen C0950123, MeSH D030342.

Allele frequency attached by ClinVar (database versions not stated): gnomAD exomes below 0.00001 and 0.00001; ExAC 0.00001; gnomAD 0.00001; TOPMed 0.00001.
gnomAD v4.1: 3 of 1,613,328 alleles (0.00019%); highest among the groups gnomAD compares: East Asian, 0.0067%; no homozygotes.

Submissions (3):

Ambry Genetics
Classification: Uncertain significance for Inborn genetic diseases. Last evaluated: 2024-02-05. Review status: criteria provided, single submitter. Criteria: Ambry Variant Classification Scheme 2023. Collection method: clinical testing. Allele origin: germline.

GeneDx
Classification: Uncertain significance. Last evaluated: 2023-05-24. Review status: criteria provided, single submitter. Criteria: GeneDx Variant Classification Process June 2021. Collection method: clinical testing. Allele origin: germline. Affected: yes.
Comment: In silico analysis supports that this missense variant has a deleterious effect on protein structure/function; Has not been previously published as pathogenic or benign to our knowledge

Labcorp Genetics (formerly Invitae), Labcorp
Classification: Uncertain significance. Last evaluated: 2021-08-31. Review status: criteria provided, single submitter. Criteria: Invitae Variant Classification Sherloc (09022015). Collection method: clinical testing. Allele origin: germline.
Comment: This sequence change replaces asparagine with serine at codon 2081 of the CDH23 protein (p.Asn2081Ser). The asparagine residue is highly conserved and there is a small physicochemical difference between asparagine and serine. This variant is present in population databases (rs767001826, ExAC 0.01%). This variant has not been reported in the literature in individuals affected with CDH23-related conditions. Algorithms developed to predict the effect of missense changes on protein structure and function are either unavailable or do not agree on the potential impact of this missense change (SIFT: "Deleterious"; PolyPhen-2: "Not Available"; Align-GVGD: "Class C45"). In summary, the available evidence is currently insufficient to determine the role of this variant in disease. Therefore, it has been classified as a Variant of Uncertain Significance.

NM_022124.6(CDH23):c.6242A>G (p.Asn2081Ser)

Gene: CDH23 (cadherin related 23; plus strand). Cytogenetic location: 10q22.1.
Variant type: single nucleotide variant.
Coding change: c.6242A>G on transcript NM_022124.6 (MANE Select); coding-DNA position 6242, A replaced by G.
Protein change: p.Asn2081Ser; replaces asparagine 2081 with serine.
Molecular consequence: missense variant.
Genome position (GRCh38, 1-based): chr10:71,791,324, A>G. VCF-style: chr10-71791324-A-G. GRCh37 (hg19) VCF-style: chr10-73551081-A-G.
Other names: short protein forms N2081S.
Identifiers: ClinVar variation 959837 (VCV000959837.5), dbSNP rs767001826, ClinGen allele CA5546028.
Genomic context (GRCh38, chr10:71,791,324, plus strand): 5'-ATGACAATGACAACCGGCCCACCTTTAGCCCTGCCACCCTCACTGTCCATCTGCTAGAGA[A>G]CTGCCCGCCTGGTAAGCAGGGGACAGGCCCCAGCACCCCACAACCAGGGGCCGGTTGGTG-3'
Protein context (NP_071407.4, residues 2071-2091): PATLTVHLLE[Asn2081Ser]CPPGFSVLQV